The following is an entry in ClinVar:

ClinVar aggregate classification (germline): Uncertain significance (1 of 4 stars; one submission).

Submission:

GeneDx
Classification: Uncertain significance. Last evaluated: 2024-12-23. Review status: criteria provided, single submitter. Criteria: GeneDx Variant Classification Process June 2021. Collection method: clinical testing. Allele origin: germline. Affected: yes.
Comment: Not observed at significant frequency in large population cohorts (gnomAD); In silico analysis indicates that this missense variant does not alter protein structure/function; Has not been previously published as pathogenic or benign to our knowledge

NM_001278116.2(L1CAM):c.3601C>T (p.Pro1201Ser)

Gene: L1CAM (L1 cell adhesion molecule; minus strand). Cytogenetic location: Xq28.
Variant type: single nucleotide variant.
Coding change: c.3601C>T on transcript NM_001278116.2 (MANE Select); coding-DNA position 3601, C replaced by T.
Protein change: p.Pro1201Ser; replaces proline 1201 with serine.
Molecular consequence: missense variant.
Genome position (GRCh38, 1-based): chrX:153,862,836, G>A on the plus strand (C>T on the coding strand, the complement: L1CAM is on the minus strand). VCF-style: chrX-153862836-G-A. GRCh37 (hg19) VCF-style: chrX-153128291-G-A.
Other names: c.3601C>T, p.Pro1201Ser (NM_000425.5); c.3574C>T, p.Pro1192Ser (NM_001143963.2); c.3589C>T, p.Pro1197Ser (NM_024003.3); short protein forms P1192S, P1197S, P1201S.
Identifiers: ClinVar variation 3906448 (VCV003906448.1).
Genomic context (GRCh38, chrX:153,862,836, plus strand): 5'-CGTTGAACTGAACATCCACGCTGCCCCCATAATCGGCCAGGCTGTCGTCACTGCCCAGGG[G>A]CTTGATGTCCCCGTTGAGCGATGGCTGGCTGCTGCCAAAGGCCTTCTCCTCGTTGTCACT-3'
Protein context (NP_001265045.1, residues 1191-1211): SQPSLNGDIK[Pro1201Ser]LGSDDSLADY